The following is an entry in ClinVar:

ClinVar aggregate classification (germline): Likely pathogenic (1 of 4 stars; one submission).

Conditions:
Waardenburg syndrome type 4A (WS4A). Also called: WAARDENBURG SYNDROME WITH HIRSCHSPRUNG DISEASE, TYPE 4A. Identifiers: Orphanet 897, MedGen C1848519, MONDO:0010192, OMIM 277580.

Submission:

Institute of Rare Diseases, West China Hospital, Sichuan University
Classification: Likely pathogenic for Waardenburg syndrome type 4A. Last evaluated: 2025-01-09. Review status: criteria provided, single submitter. Criteria: ClinGen HL ACMG Specifications v1. Collection method: research. Allele origin: germline. Affected: yes.
Comment: PM3;PP1;PP4;PM2_Supporting;PP3

NM_001122659.3(EDNRB):c.431C>T (p.Ala144Val)

Gene: EDNRB (endothelin receptor type B; minus strand). Cytogenetic location: 13q22.3.
Variant type: single nucleotide variant.
Coding change: c.431C>T on transcript NM_001122659.3 (MANE Select); coding-DNA position 431, C replaced by T.
Protein change: p.Ala144Val; replaces alanine 144 with valine.
Molecular consequence: missense variant.
Genome position (GRCh38, 1-based): chr13:77,918,143, G>A on the plus strand (C>T on the coding strand, the complement: EDNRB is on the minus strand). VCF-style: chr13-77918143-G-A. GRCh37 (hg19) VCF-style: chr13-78492278-G-A.
Other names: c.431C>T, p.Ala144Val (NM_000115.5, NM_003991.4); c.701C>T, p.Ala234Val (NM_001201397.2); short protein forms A144V, A234V.
Identifiers: ClinVar variation 3601072 (VCV003601072.1).